The following is an entry in ClinVar:

NM_015693.4(INTU):c.2464C>T (p.Gln822Ter)

Gene: INTU (inturned planar cell polarity protein; plus strand). Cytogenetic location: 4q28.1.
Variant type: single nucleotide variant.
Coding change: c.2464C>T on transcript NM_015693.4 (MANE Select); coding-DNA position 2464, C replaced by T.
Protein change: p.Gln822Ter; replaces glutamine 822 with a stop codon.
Molecular consequence: nonsense.
Genome position (GRCh38, 1-based): chr4:127,711,007, C>T. VCF-style: chr4-127711007-C-T. GRCh37 (hg19) VCF-style: chr4-128632162-C-T.
Other names: short protein forms Q822*.
Identifiers: ClinVar variation 1951437 (VCV001951437.5), dbSNP rs768742654, ClinGen allele CA3075339.
Genomic context (GRCh38, chr4:127,711,007, plus strand): 5'-TACGTTGCCTTAGAAACAGTGCAAGGAATCTTTATTACTCCTACCCTTGAAGAGGTGGCA[C>T]AGCTAAGTGGCTCTATCCACCCTCAGCTAATAAAGAATTTCCATCAGTGTTGTCTTTCCA-3'

ClinVar aggregate classification (germline): Uncertain significance (1 of 4 stars; one submission).

Allele frequency attached by ClinVar (database versions not stated): ExAC 0.00001.
gnomAD v4.1: 3 of 1,608,362 alleles (0.00019%); highest among the groups gnomAD compares: Admixed American, 0.005%; no homozygotes.

Submission:

Labcorp Genetics (formerly Invitae), Labcorp
Classification: Uncertain significance. Last evaluated: 2022-06-18. Review status: criteria provided, single submitter. Criteria: Invitae Variant Classification Sherloc (09022015). Collection method: clinical testing. Allele origin: germline.
Comment: In summary, the available evidence is currently insufficient to determine the role of this variant in disease. Therefore, it has been classified as a Variant of Uncertain Significance. This variant has not been reported in the literature in individuals affected with INTU-related conditions. This variant is present in population databases (rs768742654, gnomAD 0.009%). This sequence change creates a premature translational stop signal (p.Gln822*) in the INTU gene. It is expected to result in an absent or disrupted protein product. However, the current clinical and genetic evidence is not sufficient to establish whether loss-of-function variants in INTU cause disease.